The following is an entry in ClinVar:

NM_001145809.2(MYH14):c.1847A>G (p.Asn616Ser)

Gene: MYH14 (myosin heavy chain 14; plus strand). Cytogenetic location: 19q13.33.
Variant type: single nucleotide variant.
Coding change: c.1847A>G on transcript NM_001145809.2 (MANE Select); coding-DNA position 1847, A replaced by G.
Protein change: p.Asn616Ser; replaces asparagine 616 with serine.
Molecular consequence: missense variant.
Genome position (GRCh38, 1-based): chr19:50,252,655, A>G. VCF-style: chr19-50252655-A-G. GRCh37 (hg19) VCF-style: chr19-50755912-A-G.
Other names: c.1847A>G, p.Asn616Ser (NM_001077186.2); c.1823A>G, p.Asn608Ser (NM_024729.4); c.1823A>G (NM_024729.3); short protein forms N608S, N616S.
Identifiers: ClinVar variation 2907803 (VCV002907803.4), dbSNP rs768432809, ClinGen allele CA9592735.

ClinVar aggregate classification (germline): Uncertain significance. Review status: criteria provided, multiple submitters, no conflicts (2 of 4 stars). 2 submissions from 2 submitters: Uncertain significance (2). Last evaluated 2025-06-12.

Conditions:
Inborn genetic diseases. Identifiers: MedGen C0950123, MeSH D030342.

Allele frequency attached by ClinVar (database versions not stated): gnomAD 0.00002; TOPMed 0.00003; ExAC 0.00005; gnomAD exomes 0.00001.
gnomAD v4.1: 13 of 1,594,142 alleles (0.00082%); highest among the groups gnomAD compares: African/African-American, 0.0081%; no homozygotes.

Submissions (2):

Labcorp Genetics (formerly Invitae), Labcorp
Classification: Uncertain significance. Last evaluated: 2025-06-12. Review status: criteria provided, single submitter. Criteria: Invitae Variant Classification Sherloc (09022015). Collection method: clinical testing. Allele origin: germline.
Comment: This sequence change replaces asparagine, which is neutral and polar, with serine, which is neutral and polar, at codon 608 of the MYH14 protein (p.Asn608Ser). This variant is present in population databases (rs768432809, gnomAD 0.009%). This variant has not been reported in the literature in individuals affected with MYH14-related conditions. ClinVar contains an entry for this variant (Variation ID: 2907803). Invitae Evidence Modeling of protein sequence and biophysical properties (such as structural, functional, and spatial information, amino acid conservation, physicochemical variation, residue mobility, and thermodynamic stability) indicates that this missense variant is not expected to disrupt MYH14 protein function with a negative predictive value of 80%. In summary, the available evidence is currently insufficient to determine the role of this variant in disease. Therefore, it has been classified as a Variant of Uncertain Significance.

Ambry Genetics
Classification: Uncertain significance for Inborn genetic diseases. Last evaluated: 2025-02-24. Review status: criteria provided, single submitter. Criteria: Ambry Variant Classification Scheme 2023. Collection method: clinical testing. Allele origin: germline.